The following is an entry in ClinVar:

NM_207361.6(FREM2):c.8144G>A (p.Gly2715Glu)

Genes: FREM2 (FRAS1 related extracellular matrix 2; plus strand), LOC130009588 (ATAC-STARR-seq lymphoblastoid silent region 5274; plus strand). Cytogenetic location: 13q13.3.
Variant type: single nucleotide variant.
Coding change: c.8144G>A on transcript NM_207361.6 (MANE Select); coding-DNA position 8144, G replaced by A.
Protein change: p.Gly2715Glu; replaces glycine 2715 with glutamic acid.
Molecular consequence: missense variant.
Genome position (GRCh38, 1-based): chr13:38,872,902, G>A. VCF-style: chr13-38872902-G-A. GRCh37 (hg19) VCF-style: chr13-39447039-G-A.
Other names: c.8144G>A (NM_207361.4); short protein forms G2715E.
Identifiers: ClinVar variation 1333452 (VCV001333452.5), dbSNP rs2137934211, ClinGen allele CA387903861.

ClinVar aggregate classification (germline): Uncertain significance. Review status: criteria provided, multiple submitters, no conflicts (2 of 4 stars). 3 submissions from 3 submitters: Uncertain significance (3). Last evaluated 2024-04-27.

Conditions:
Isolated cryptophthalmia. Also called: ANKYLOBLEPHARON, SIMPLE; Cryptophthalmos, unilateral or bilateral, isolated. Identifiers: Orphanet 91396, MedGen C1852453, MONDO:0007410, OMIM 123570.

Submissions (3):

GeneDx
Classification: Uncertain significance. Last evaluated: 2024-04-27. Review status: criteria provided, single submitter. Criteria: GeneDx Variant Classification Process June 2021. Collection method: clinical testing. Allele origin: germline. Affected: yes.
Comment: Not observed at significant frequency in large population cohorts (gnomAD); In silico analysis supports that this missense variant has a deleterious effect on protein structure/function; This variant is associated with the following publications: (PMID: 35616356)

Labcorp Genetics (formerly Invitae), Labcorp
Classification: Uncertain significance. Last evaluated: 2022-06-01. Review status: criteria provided, single submitter. Criteria: Invitae Variant Classification Sherloc (09022015). Collection method: clinical testing. Allele origin: germline.
Comment: In summary, the available evidence is currently insufficient to determine the role of this variant in disease. Therefore, it has been classified as a Variant of Uncertain Significance. Algorithms developed to predict the effect of missense changes on protein structure and function are either unavailable or do not agree on the potential impact of this missense change (SIFT: "Deleterious"; PolyPhen-2: "Probably Damaging"; Align-GVGD: "Class C0"). ClinVar contains an entry for this variant (Variation ID: 1333452). This variant has not been reported in the literature in individuals affected with FREM2-related conditions. This variant is not present in population databases (gnomAD no frequency). This sequence change replaces glycine, which is neutral and non-polar, with glutamic acid, which is acidic and polar, at codon 2715 of the FREM2 protein (p.Gly2715Glu).

3billion
Classification: Uncertain significance for Isolated cryptophthalmia. Last evaluated: 2022-01-03. Review status: criteria provided, single submitter. Criteria: ACMG Guidelines, 2015. Collection method: clinical testing. Allele origin: germline. Affected: yes. Observed: 1 homozygote.
Comment: The variant is not observed in the gnomAD v2.1.1 dataset (PM2_M). In silico tool predictions suggest damaging effect of the variant on gene or gene product (REVEL: 0.76, PP3_P). Therefore, this variant is classified as uncertain significance according to the recommendation of ACMG/AMP guideline.